The following is an entry in ClinVar:

ClinVar aggregate classification (germline): Pathogenic. Review status: criteria provided, multiple submitters, no conflicts (2 of 4 stars). 3 submissions from 3 submitters: Pathogenic (3). Last evaluated 2026-05-14.

Conditions:
Hereditary cancer-predisposing syndrome. Also called: Tumor predisposition; Hereditary Cancer Syndrome; Hereditary neoplastic syndrome; Neoplastic Syndromes, Hereditary. Identifiers: Orphanet 140162, MedGen C0027672, MeSH D009386, MONDO:0015356.
Bloom syndrome (BLM). Also called: Bloom-Torre-Machacek syndrome. Identifiers: Orphanet 125, MedGen C0005859, MONDO:0008876, OMIM 210900.

Submissions (3):

Myriad Genetics, Inc.
Classification: Pathogenic for Bloom syndrome. Last evaluated: 2026-05-14. Review status: criteria provided, single submitter. Criteria: Myriad Autosomal Dominant, Autosomal Recessive and X-Linked Classification Criteria (2023). Collection method: clinical testing. Allele origin: unknown.
Comment: This variant is considered pathogenic. This variant creates a frameshift predicted to result in premature protein truncation.

Labcorp Genetics (formerly Invitae), Labcorp
Classification: Pathogenic for Bloom syndrome. Last evaluated: 2024-02-08. Review status: criteria provided, single submitter. Criteria: Invitae Variant Classification Sherloc (09022015). Collection method: clinical testing. Allele origin: germline.
Comment: This sequence change creates a premature translational stop signal (p.Leu394Glyfs*23) in the BLM gene. It is expected to result in an absent or disrupted protein product. Loss-of-function variants in BLM are known to be pathogenic (PMID: 17407155). This variant is present in population databases (rs758132052, gnomAD 0.003%). This variant has not been reported in the literature in individuals affected with BLM-related conditions. ClinVar contains an entry for this variant (Variation ID: 953335). For these reasons, this variant has been classified as Pathogenic.

Ambry Genetics
Classification: Pathogenic for Hereditary cancer-predisposing syndrome. Last evaluated: 2023-04-20. Review status: criteria provided, single submitter. Criteria: Ambry Variant Classification Scheme 2023. Collection method: clinical testing. Allele origin: germline.
Comment: The c.1180_1181delTT pathogenic mutation, located in coding exon 5 of the BLM gene, results from a deletion of two nucleotides at nucleotide positions 1180 to 1181, causing a translational frameshift with a predicted alternate stop codon (p.L394Gfs*23). This variant is considered to be rare based on population cohorts in the Genome Aggregation Database (gnomAD). This alteration is expected to result in loss of function by premature protein truncation or nonsense-mediated mRNA decay. As such, this alteration is interpreted as a disease-causing mutation.

Literature cited by the submitters: PubMed 17407155 (cited by Labcorp Genetics (formerly Invitae), Labcorp).

NM_000057.4(BLM):c.1180_1181del (p.Leu394fs)

Gene: BLM (BLM RecQ like helicase; plus strand). Cytogenetic location: 15q26.1.
Variant type: Deletion.
Coding change: c.1180_1181del on transcript NM_000057.4 (MANE Select); coding-DNA positions 1180 to 1181, 2 bases deleted (TT; older notation c.1180_1181delTT).
Protein change: p.Leu394fs; shifts the reading frame from leucine 394.
Molecular consequence: frameshift variant.
Genome position (GRCh38, 1-based): chr15:90,760,239-90,760,240, TT deleted; deleting any 2 consecutive bases within chr15:90,760,237-90,760,240 gives the same sequence; the c. name uses the placement nearest the transcript's 3' end. VCF-style (leftmost placement, unchanged base first): chr15-90760236-CTT-C. GRCh37 (hg19) VCF-style: chr15-91303466-CTT-C.
Other names: c.1180_1181delTT (NM_000057.2); c.1180_1181del, p.Leu394fs (NM_001287246.2, NM_001287247.2); c.55_56del, p.Leu19fs (NM_001287248.2); short protein forms L19fs, L394fs.
Identifiers: ClinVar variation 953335 (VCV000953335.10), dbSNP rs758132052, ClinGen allele CA7738477.
Genomic context (GRCh38, chr15:90,760,236, plus strand): 5'-ATTCATGTGATGGAGCACATCTGTAAATTAATTGATACTATTCCTGATGATAAACTGAAA[CTT>C]TTGGATTGTGGGAACGAACTGCTTCAGCAGCGGAACATAAGGTATCTTAATTTTCCCCCT-3'